The following is an entry in ClinVar:

ClinVar aggregate classification (germline): Likely benign. Review status: criteria provided, multiple submitters, no conflicts (2 of 4 stars). 4 submissions from 2 submitters: Likely benign (4). Last evaluated 2025-08-10.

Conditions:
Polydactyly. Also called: polydactylism. Identifiers: MedGen C0152427, MONDO:0021003, OMIM 603596, HP:0010442.
Pallister-Hall syndrome (PHS). Also called: HYPOTHALAMIC HAMARTOBLASTOMA, HYPOPITUITARISM, IMPERFORATE ANUS, AND POSTAXIAL POLYDACTYLY; GLI3-Related Pallister-Hall Syndrome. Identifiers: Orphanet 672, MedGen C0265220, MONDO:0007804, OMIM 146510.
Greig cephalopolysyndactyly syndrome (GCPS). Also called: Greig syndrome; POLYSYNDACTYLY WITH PECULIAR SKULL SHAPE; GLI3-Related Greig Cephalopolysyndactyly Syndrome. Identifiers: Orphanet 380, MedGen C0265306, MONDO:0008287, OMIM 175700.

Allele frequency attached by ClinVar (database versions not stated): ESP Exome Variant Server 0.00008.
gnomAD v4.1: 48 of 1,613,854 alleles (0.003%); highest among the groups gnomAD compares: Non-Finnish European, 0.0037%; no homozygotes.

Submissions (4):

Labcorp Genetics (formerly Invitae), Labcorp
Classification: Likely benign for Pallister-Hall syndrome; Greig cephalopolysyndactyly syndrome. Last evaluated: 2025-08-10. Review status: criteria provided, single submitter. Criteria: Invitae Variant Classification Sherloc (09022015). Collection method: clinical testing. Allele origin: germline.

Illumina Laboratory Services, Illumina
Classification: Likely benign for Pallister-Hall syndrome. Last evaluated: 2018-01-13. Review status: criteria provided, single submitter. Criteria: ICSL Variant Classification Criteria 13 December 2019. Collection method: clinical testing. Allele origin: germline.
Comment: This variant was observed in the ICSL laboratory as part of a predisposition screen in an ostensibly healthy population. It had not been previously curated by ICSL or reported in the Human Gene Mutation Database (HGMD: prior to June 1st, 2018), and was therefore a candidate for classification through an automated scoring system. Utilizing variant allele frequency, disease prevalence and penetrance estimates, and inheritance mode, an automated score was calculated to assess if this variant is too frequent to cause the disease. Based on the score and internal cut-off values, a variant classified as likely benign is not then subjected to further curation. The score for this variant resulted in a classification of likely benign for this disease.

Illumina Laboratory Services, Illumina
Classification: Likely benign for Greig cephalopolysyndactyly syndrome. Last evaluated: 2018-01-13. Review status: criteria provided, single submitter. Criteria: ICSL Variant Classification Criteria 13 December 2019. Collection method: clinical testing. Allele origin: germline.
Comment: the same text as in the submission from Illumina Laboratory Services, Illumina above.

Illumina Laboratory Services, Illumina
Classification: Likely benign for Polydactyly. Last evaluated: 2018-01-13. Review status: criteria provided, single submitter. Criteria: ICSL Variant Classification Criteria 13 December 2019. Collection method: clinical testing. Allele origin: germline.
Comment: the same text as in the submission from Illumina Laboratory Services, Illumina above.

NM_000168.6(GLI3):c.864G>A (p.Pro288=)

Gene: GLI3 (GLI family zinc finger 3; minus strand). Cytogenetic location: 7p14.1.
Variant type: single nucleotide variant.
Coding change: c.864G>A on transcript NM_000168.6 (MANE Select); coding-DNA position 864, G replaced by A.
Protein change: p.Pro288=; no amino-acid change (proline 288 retained).
Molecular consequence: synonymous variant.
Genome position (GRCh38, 1-based): chr7:42,040,202, C>T on the plus strand (G>A on the coding strand, the complement: GLI3 is on the minus strand). VCF-style: chr7-42040202-C-T. GRCh37 (hg19) VCF-style: chr7-42079801-C-T.
Identifiers: ClinVar variation 908208 (VCV000908208.5), dbSNP rs139026838, ClinGen allele CA4231030.